The following is an entry in ClinVar:

ClinVar aggregate classification (germline): Benign/Likely benign. Review status: criteria provided, multiple submitters, no conflicts (2 of 4 stars). 5 submissions from 5 submitters: Benign (2); Likely benign (2). 1 of the submissions does not count toward it. Last evaluated 2025-05-22.

Conditions:
Inborn genetic diseases. Identifiers: MedGen C0950123, MeSH D030342.
Chondrodysplasia punctata, brachytelephalangic, autosomal. Also called: BRACHYTELEPHALANGIC CHONDRODYSPLASIA PUNCTATA. Identifiers: MedGen C1844853, MONDO:0011238, OMIM 602497.
ARSL-related disorder. Also called: ARSL-related condition.

Allele frequency attached by ClinVar (database versions not stated): TOPMed 0.00019; 1000 Genomes Project 30x 0.00021; gnomAD 0.00025 and 0.00026; 1000 Genomes Project 0.00026; ESP Exome Variant Server 0.00028; gnomAD exomes 0.00046 and 0.00063; ExAC 0.00060.
gnomAD v4.1: 538 of 1,210,293 alleles (0.044%); highest among the groups gnomAD compares: Middle Eastern, 0.19%; 1 homozygote.

Submissions (5):

Labcorp Genetics (formerly Invitae), Labcorp
Classification: Benign for Chondrodysplasia punctata, brachytelephalangic, autosomal. Last evaluated: 2025-05-22. Review status: criteria provided, single submitter. Criteria: Invitae Variant Classification Sherloc (09022015). Collection method: clinical testing. Allele origin: germline.

Blueprint Genetics
Classification: Likely benign. Last evaluated: 2024-11-19. Review status: criteria provided, single submitter. Criteria: ACMG Guidelines, 2015. Collection method: clinical testing. Allele origin: germline.

Ambry Genetics
Classification: Likely benign for Inborn genetic diseases. Last evaluated: 2022-01-26. Review status: criteria provided, single submitter. Criteria: Ambry Variant Classification Scheme 2023. Collection method: clinical testing. Allele origin: germline.

Breakthrough Genomics
Classification: Benign. Review status: criteria provided, single submitter. Criteria: ACMG Guidelines, 2015. Collection method: not provided. Allele origin: germline. Inheritance: X-linked inheritance. Affected: yes.

PreventionGenetics, part of Exact Sciences
Classification: Likely benign for ARSL-related condition. Last evaluated: 2019-04-08. Review status: no assertion criteria provided. Collection method: clinical testing. Allele origin: germline. Not counted in ClinVar's aggregate classification.
Comment: This variant is classified as likely benign based on ACMG/AMP sequence variant interpretation guidelines (Richards et al. 2015 PMID: 25741868, with internal and published modifications).

NM_000047.3(ARSL):c.1259G>A (p.Arg420Gln)

Gene: ARSL (arylsulfatase L; minus strand). Cytogenetic location: Xp22.33.
Variant type: single nucleotide variant.
Coding change: c.1259G>A on transcript NM_000047.3 (MANE Select); coding-DNA position 1259, G replaced by A.
Protein change: p.Arg420Gln; replaces arginine 420 with glutamine.
Molecular consequence: missense variant.
Genome position (GRCh38, 1-based): chrX:2,938,125, C>T on the plus strand (G>A on the coding strand, the complement: ARSL is on the minus strand). VCF-style: chrX-2938125-C-T. GRCh37 (hg19) VCF-style: chrX-2856166-C-T.
Other names: c.1259G>A (NM_000047.2); c.1334G>A, p.Arg445Gln (NM_001282628.2, NM_001369080.1); c.1097G>A, p.Arg366Gln (NM_001282631.2); c.1286G>A, p.Arg429Gln (NM_001369079.1); short protein forms R366Q, R420Q, R429Q, R445Q.
Identifiers: ClinVar variation 1169238 (VCV001169238.15), dbSNP rs137882432, ClinGen allele CA10338041.